The following is an entry in ClinVar:

ClinVar aggregate classification (germline): Uncertain significance (1 of 4 stars; one submission).

Conditions:
Inborn genetic diseases. Identifiers: MedGen C0950123, MeSH D030342.

gnomAD v4.1: 1 of 1,589,788 alleles (0.000063%); highest among the groups gnomAD compares: South Asian, 0.0011%; no homozygotes.

Submission:

Ambry Genetics
Classification: Uncertain significance for Inborn genetic diseases. Last evaluated: 2026-08-11. Review status: criteria provided, single submitter. Criteria: Ambry Variant Classification Scheme 2023. Collection method: clinical testing. Allele origin: germline.
Comment: The p.D238Y variant (also known as c.712G>T), located in coding exon 6 of the ANKRD26 gene, results from a G to T substitution at nucleotide position 712. The aspartic acid at codon 238 is replaced by tyrosine, an amino acid with highly dissimilar properties. This amino acid position is conserved. In addition, this alteration is predicted to be tolerated by in silico analysis. Based on the available evidence, the clinical significance of this variant remains unclear.

NM_014915.3(ANKRD26):c.712G>T (p.Asp238Tyr)

Gene: ANKRD26 (ankyrin repeat domain 26; minus strand). Cytogenetic location: 10p12.1.
Variant type: single nucleotide variant.
Coding change: c.712G>T on transcript NM_014915.3 (MANE Select); coding-DNA position 712, G replaced by T.
Protein change: p.Asp238Tyr; replaces aspartic acid 238 with tyrosine.
Molecular consequence: missense variant.
Genome position (GRCh38, 1-based): chr10:27,082,831, C>A on the plus strand (G>T on the coding strand, the complement: ANKRD26 is on the minus strand). VCF-style: chr10-27082831-C-A. GRCh37 (hg19) VCF-style: chr10-27371760-C-A.
Other names: c.712G>T, p.Asp238Tyr (NM_001256053.2); short protein forms D238Y.
Identifiers: ClinVar variation 5023515 (VCV005023515.1).